The following is an entry in ClinVar:

NM_133459.4(CCBE1):c.1037G>A (p.Arg346His)

Gene: CCBE1 (collagen and calcium binding EGF domains 1; minus strand). Cytogenetic location: 18q21.32.
Variant type: single nucleotide variant.
Coding change: c.1037G>A on transcript NM_133459.4 (MANE Select); coding-DNA position 1037, G replaced by A.
Protein change: p.Arg346His; replaces arginine 346 with histidine.
Molecular consequence: missense variant.
Genome position (GRCh38, 1-based): chr18:59,436,092, C>T on the plus strand (G>A on the coding strand, the complement: CCBE1 is on the minus strand). VCF-style: chr18-59436092-C-T. GRCh37 (hg19) VCF-style: chr18-57103324-C-T.
Other names: short protein forms R346H.
Identifiers: ClinVar variation 1909500 (VCV001909500.2), dbSNP rs768229052, ClinGen allele CA8980194.

ClinVar aggregate classification (germline): Uncertain significance (1 of 4 stars; one submission).

gnomAD v4.1: 15 of 1,614,034 alleles (0.00093%); highest among the groups gnomAD compares: African/African-American, 0.004%; no homozygotes.

Submission:

Labcorp Genetics (formerly Invitae), Labcorp
Classification: Uncertain significance. Last evaluated: 2022-01-02. Review status: criteria provided, single submitter. Criteria: Invitae Variant Classification Sherloc (09022015). Collection method: clinical testing. Allele origin: germline.
Comment: This sequence change replaces arginine, which is basic and polar, with histidine, which is basic and polar, at codon 346 of the CCBE1 protein (p.Arg346His). This variant is present in population databases (rs768229052, gnomAD 0.01%). This variant has not been reported in the literature in individuals affected with CCBE1-related conditions. Algorithms developed to predict the effect of missense changes on protein structure and function (SIFT, PolyPhen-2, Align-GVGD) all suggest that this variant is likely to be disruptive. In summary, the available evidence is currently insufficient to determine the role of this variant in disease. Therefore, it has been classified as a Variant of Uncertain Significance.